The following is an entry in ClinVar:

ClinVar aggregate classification (germline): Benign/Likely benign. Review status: criteria provided, multiple submitters, no conflicts (2 of 4 stars). 8 submissions from 8 submitters: Benign (3); Likely benign (5). Last evaluated 2025-12-14.

Conditions:
Isolated focal cortical dysplasia type II (FCORD2). Also called: Focal cortical dysplasia type II; CORTICAL DYSPLASIA OF TAYLOR. Identifiers: Orphanet 268994, MedGen C1846385, MONDO:0011818, OMIM 607341, HP:0032051.
Lymphangiomyomatosis (LAM). Also called: Lymphangioleiomyomatosis, somatic; Lymphangioleiomyomatosis. Identifiers: Orphanet 538, MedGen C0751674, MONDO:0011705, OMIM 606690.
Tuberous sclerosis 2 (TSC2). Identifiers: Orphanet 805, MedGen C1860707, MONDO:0013199, OMIM 613254.
Hereditary cancer-predisposing syndrome. Also called: Tumor predisposition; Neoplastic Syndromes, Hereditary; Hereditary neoplastic syndrome; Hereditary Cancer Syndrome. Identifiers: Orphanet 140162, MedGen C0027672, MeSH D009386, MONDO:0015356.
Tuberous sclerosis syndrome (TSC). Also called: Tuberous sclerosis; Tuberous Sclerosis Complex. Identifiers: Orphanet 805, MedGen C0041341, MONDO:0001734.

Allele frequency attached by ClinVar (database versions not stated): gnomAD exomes 0.00002; ExAC 0.00003; TOPMed 0.00006; gnomAD 0.00007; 1000 Genomes Project 30x 0.00016; 1000 Genomes Project 0.00020.
gnomAD v4.1: 39 of 1,610,014 alleles (0.0024%); highest among the groups gnomAD compares: African/African-American, 0.02%; no homozygotes.

Submissions (8):

Labcorp Genetics (formerly Invitae), Labcorp
Classification: Benign for Tuberous sclerosis 2. Last evaluated: 2025-12-14. Review status: criteria provided, single submitter. Criteria: Invitae Variant Classification Sherloc (09022015). Collection method: clinical testing. Allele origin: germline.

Myriad Genetics, Inc.
Classification: Benign for Tuberous sclerosis 2. Last evaluated: 2025-06-05. Review status: criteria provided, single submitter. Criteria: Myriad Autosomal Dominant, Autosomal Recessive and X-Linked Classification Criteria (2023). Collection method: clinical testing. Allele origin: unknown.
Comment: This variant is considered benign. This variant is a silent/synonymous amino acid change and it is not expected to impact splicing.

Color Diagnostics, LLC DBA Color Health
Classification: Likely benign for Tuberous sclerosis syndrome. Last evaluated: 2023-01-12. Review status: criteria provided, single submitter. Criteria: ACMG Guidelines, 2015. Collection method: clinical testing. Allele origin: germline.

Fulgent Genetics
Classification: Likely benign for Lymphangiomyomatosis; Isolated focal cortical dysplasia type II; Tuberous sclerosis 2. Last evaluated: 2021-12-15. Review status: criteria provided, single submitter. Criteria: ACMG Guidelines, 2015. Collection method: clinical testing. Allele origin: unknown.

Blueprint Genetics
Classification: Likely benign. Last evaluated: 2021-11-12. Review status: criteria provided, single submitter. Criteria: ACMG Guidelines, 2015. Collection method: clinical testing. Allele origin: germline.

Genome-Nilou Lab
Classification: Benign for Tuberous sclerosis 2. Last evaluated: 2021-11-07. Review status: criteria provided, single submitter. Criteria: ACMG Guidelines, 2015. Collection method: clinical testing. Allele origin: germline. Affected: no.

GeneDx
Classification: Likely benign. Last evaluated: 2020-12-01. Review status: criteria provided, single submitter. Criteria: GeneDx Variant Classification Process June 2021. Collection method: clinical testing. Allele origin: germline. Affected: yes.

Ambry Genetics
Classification: Likely benign for Hereditary cancer-predisposing syndrome. Last evaluated: 2018-03-16. Review status: criteria provided, single submitter. Criteria: Ambry Variant Classification Scheme 2023. Collection method: clinical testing. Allele origin: germline.

NM_000548.5(TSC2):c.4851C>T (p.Ala1617=)

Gene: TSC2 (TSC complex subunit 2; plus strand). Cytogenetic location: 16p13.3.
Variant type: single nucleotide variant.
Coding change: c.4851C>T on transcript NM_000548.5 (MANE Select); coding-DNA position 4851, C replaced by T.
Protein change: p.Ala1617=; no amino-acid change (alanine 1617 retained).
Molecular consequence: synonymous variant.
Genome position (GRCh38, 1-based): chr16:2,086,733, C>T. VCF-style: chr16-2086733-C-T. GRCh37 (hg19) VCF-style: chr16-2136734-C-T.
Other names: c.4650C>T, p.Ala1550= (NM_001077183.3); c.4782C>T, p.Ala1594= (NM_001114382.3); c.4542C>T, p.Ala1514= (NM_001318827.2); c.4506C>T, p.Ala1502= (NM_001318829.2); c.4119C>T, p.Ala1373= (NM_001318831.2); c.4683C>T, p.Ala1561= (NM_001318832.2); c.4653C>T, p.Ala1551= (NM_001363528.2); c.4719C>T, p.Ala1573= (NM_001370404.1); and 1 more.
Identifiers: ClinVar variation 388022 (VCV000388022.23), dbSNP rs556045045, ClinGen allele CA052937.